The following is an entry in ClinVar:

NM_022041.4(GAN):c.1162C>T (p.Leu388=)

Gene: GAN (gigaxonin; plus strand). Cytogenetic location: 16q23.2.
Variant type: single nucleotide variant.
Coding change: c.1162C>T on transcript NM_022041.4 (MANE Select); coding-DNA position 1162, C replaced by T.
Protein change: p.Leu388=; no amino-acid change (leucine 388 retained).
Molecular consequence: synonymous variant.
Genome position (GRCh38, 1-based): chr16:81,363,869, C>T. VCF-style: chr16-81363869-C-T. GRCh37 (hg19) VCF-style: chr16-81397474-C-T.
Other names: c.523C>T, p.Leu175= (NM_001377486.1).
Identifiers: ClinVar variation 289457 (VCV000289457.61), dbSNP rs73589395, ClinGen allele CA8191637.

ClinVar aggregate classification (germline): Conflicting classifications of pathogenicity. Review status: criteria provided, conflicting classifications (1 of 4 stars). 6 submissions from 6 submitters: Uncertain significance (1); Benign (1); Likely benign (3). 1 of the submissions does not count toward it. Last evaluated 2025-10-01.

Conditions:
Inborn genetic diseases. Identifiers: MedGen C0950123, MeSH D030342.
GAN-related disorder. Also called: GAN-related condition.
Giant axonal neuropathy 1 (GAN1). Also called: GIANT AXONAL NEUROPATHY 1, AUTOSOMAL RECESSIVE; GAN-Related Neurodegeneration. Identifiers: Orphanet 643, MedGen C1850386, MONDO:0009749, OMIM 256850.

Allele frequency attached by ClinVar (database versions not stated): gnomAD exomes 0.00007 and 0.00023; ExAC 0.00031; 1000 Genomes Project 0.00060; 1000 Genomes Project 30x 0.00062; gnomAD 0.00094 and 0.00103; TOPMed 0.00107; ESP Exome Variant Server 0.00138.
gnomAD v4.1: 254 of 1,610,632 alleles (0.016%); highest among the groups gnomAD compares: African/African-American, 0.31%; no homozygotes.

Submissions (6):

Labcorp Genetics (formerly Invitae), Labcorp
Classification: Benign for Giant axonal neuropathy 1. Last evaluated: 2025-10-01. Review status: criteria provided, single submitter. Criteria: Invitae Variant Classification Sherloc (09022015). Collection method: clinical testing. Allele origin: germline.

GeneDx
Classification: Likely benign. Last evaluated: 2019-09-23. Review status: criteria provided, single submitter. Criteria: GeneDx Variant Classification Process June 2021. Collection method: clinical testing. Allele origin: germline. Affected: yes.

Ambry Genetics
Classification: Likely benign for Inborn genetic diseases. Last evaluated: 2019-07-11. Review status: criteria provided, single submitter. Criteria: Ambry Variant Classification Scheme 2023. Collection method: clinical testing. Allele origin: germline.

Illumina Laboratory Services, Illumina
Classification: Likely benign for Giant axonal neuropathy 1. Last evaluated: 2018-01-13. Review status: criteria provided, single submitter. Criteria: ICSL Variant Classification Criteria 13 December 2019. Collection method: clinical testing. Allele origin: germline.
Comment: This variant was observed in the ICSL laboratory as part of a predisposition screen in an ostensibly healthy population. It had not been previously curated by ICSL or reported in the Human Gene Mutation Database (HGMD: prior to June 1st, 2018), and was therefore a candidate for classification through an automated scoring system. Utilizing variant allele frequency, disease prevalence and penetrance estimates, and inheritance mode, an automated score was calculated to assess if this variant is too frequent to cause the disease. Based on the score and internal cut-off values, a variant classified as likely benign is not then subjected to further curation. The score for this variant resulted in a classification of likely benign for this disease.

Eurofins Ntd Llc (ga)
Classification: Uncertain significance. Last evaluated: 2016-08-26. Review status: criteria provided, single submitter. Criteria: EGL Classification Definitions 2015. Collection method: clinical testing. Allele origin: germline. Observed: 1 variant allele, 1 heterozygote.

PreventionGenetics, part of Exact Sciences
Classification: Likely benign for GAN-related condition. Last evaluated: 2019-03-25. Review status: no assertion criteria provided. Collection method: clinical testing. Allele origin: germline. Not counted in ClinVar's aggregate classification.
Comment: This variant is classified as likely benign based on ACMG/AMP sequence variant interpretation guidelines (Richards et al. 2015 PMID: 25741868, with internal and published modifications).